The following is an entry in ClinVar:

ClinVar aggregate classification (germline): Benign (0 of 4 stars; one submission).

Conditions:
CUL9-related disorder. Also called: CUL9-related condition.

Allele frequency attached by ClinVar (database versions not stated): 1000 Genomes Project 0.20727; 1000 Genomes Project 30x 0.21487; gnomAD 0.23616; ExAC 0.16094; gnomAD exomes 0.16132; TOPMed 0.25369; ESP Exome Variant Server 0.26734.
gnomAD v4.1: 271,386 of 1,610,922 alleles (17%); highest among the groups gnomAD compares: African/African-American, 47%; 27,164 homozygotes.

Submission:

PreventionGenetics, part of Exact Sciences
Classification: Benign for CUL9-related condition. Last evaluated: 2019-11-04. Review status: no assertion criteria provided. Collection method: clinical testing. Allele origin: germline.
Comment: This variant is classified as benign based on ACMG/AMP sequence variant interpretation guidelines (Richards et al. 2015 PMID: 25741868, with internal and published modifications).

NM_015089.4(CUL9):c.6633C>T (p.Asp2211=)

Gene: CUL9 (cullin 9; plus strand). Cytogenetic location: 6p21.1.
Variant type: single nucleotide variant.
Coding change: c.6633C>T on transcript NM_015089.4 (MANE Select); coding-DNA position 6633, C replaced by T.
Protein change: p.Asp2211=; no amino-acid change (aspartic acid 2211 retained).
Molecular consequence: synonymous variant.
Genome position (GRCh38, 1-based): chr6:43,221,202, C>T. VCF-style: chr6-43221202-C-T. GRCh37 (hg19) VCF-style: chr6-43188940-C-T.
Identifiers: ClinVar variation 3060566 (VCV003060566.2), dbSNP rs6917902, ClinGen allele CA3818724.